The following is an entry in ClinVar:

ClinVar aggregate classification (germline): Pathogenic/Likely pathogenic. Review status: criteria provided, multiple submitters, no conflicts (2 of 4 stars). 14 submissions from 14 submitters: Pathogenic (11); Likely pathogenic (2). 1 of the submissions does not count toward it. Last evaluated 2026-07-24.

Conditions:
Thoracic aortic aneurysm or dissection.
Isolated thoracic aortic aneurysm.
Marfan Syndrome/Loeys-Dietz Syndrome/Familial Thoracic Aortic Aneurysms and Dissections. Identifiers: MedGen CN229799.
Marfan syndrome (MFS). Also called: FBN1-Related Marfan Syndrome; Marfan syndrome, classic; MARFAN SYNDROME, TYPE I; Marfan syndrome type 1; Marfan's syndrome. Identifiers: Orphanet 284963, Orphanet 558, MedGen C0024796, MONDO:0007947, OMIM 154700.
Familial thoracic aortic aneurysm and aortic dissection (TAAD). Also called: Thoracic aortic aneurysms and dissections. Identifiers: Orphanet 91387, MedGen C4707243, MONDO:0019625.
FBN1-related disorder. Also called: FBN1-related disorders.

Allele frequency attached by ClinVar (database versions not stated): gnomAD exomes below 0.00001.
gnomAD v4.1: 1 of 1,613,496 alleles (0.000062%); highest among the groups gnomAD compares: Non-Finnish European, 0.000085%; no homozygotes.

Submissions 1 to 11 of 14:

GeneDx
Classification: Pathogenic. Last evaluated: 2026-07-24. Review status: criteria provided, single submitter. Criteria: GeneDx Variant Classification Process June 2021. Collection method: clinical testing. Allele origin: germline.
Comment: Identified in a patient with isolated TAAD (iTAAD) in published literature (PMID: 33824467); Nonsense variant predicted to result in protein truncation or nonsense mediated decay in a gene for which loss of function is a known mechanism of disease; Not observed at significant frequency in large population cohorts (gnomAD); This variant is associated with the following publications: (PMID: 39843441, 34916231, 36517271, 25525159, 21907952, 17657824, 12938084, 23684891, 22772377, 27112580, 29357934, 26787436, 35058154, 33824467, 11139245)

NHS Central & South Genomic Laboratory Hub
Classification: Pathogenic for Thoracic aortic aneurysm or dissection. Last evaluated: 2026-02-26. Review status: criteria provided, single submitter. Criteria: ACMG Guidelines, 2015. Collection method: clinical testing. Allele origin: germline. Affected: yes.

3billion
Classification: Pathogenic for Marfan syndrome. Last evaluated: 2025-03-26. Review status: criteria provided, single submitter. Criteria: ACMG Guidelines, 2015. Collection method: clinical testing. Allele origin: germline. Affected: yes.
Comment: The variant is observed at an extremely low frequency in the gnomAD v4.1.0 dataset (total allele frequency: <0.001%). Predicted Consequence/Location: Stop-gained (nonsense): predicted to result in a loss or disruption of normal protein function through nonsense-mediated decay (NMD) or protein truncation. Multiple pathogenic variants are reported downstream of the variant. The variant has been reported at least twice as pathogenic with clinical assertions and evidence for the classification (ClinVar ID: VCV000042407 / PMID: 11139245 / 3billion dataset). Therefore, this variant is classified as Pathogenic according to the recommendation of ACMG/AMP guideline.

Labcorp Genetics (formerly Invitae), Labcorp
Classification: Pathogenic for Marfan syndrome; Familial thoracic aortic aneurysm and aortic dissection. Last evaluated: 2024-12-22. Review status: criteria provided, single submitter. Criteria: Invitae Variant Classification Sherloc (09022015). Collection method: clinical testing. Allele origin: germline.
Comment: This sequence change creates a premature translational stop signal (p.Arg2220*) in the FBN1 gene. It is expected to result in an absent or disrupted protein product. Loss-of-function variants in FBN1 are known to be pathogenic (PMID: 17657824, 19293843). This variant is not present in population databases (gnomAD no frequency). This premature translational stop signal has been observed in individual(s) with Marfan syndrome (PMID: 11139245, 17657824, 22772377, 23684891, 27112580, 29357934). In at least one individual the variant was observed to be de novo. ClinVar contains an entry for this variant (Variation ID: 42407). For these reasons, this variant has been classified as Pathogenic.

Blueprint Genetics
Classification: Pathogenic for FBN1-related disorders. Last evaluated: 2024-10-22. Review status: criteria provided, single submitter. Criteria: ACMG Guidelines, 2015. Collection method: clinical testing. Allele origin: germline. Affected: yes. Observed: 5 variant alleles.

Ambry Genetics
Classification: Pathogenic for Familial thoracic aortic aneurysm and aortic dissection. Last evaluated: 2023-12-01. Review status: criteria provided, single submitter. Criteria: Ambry Variant Classification Scheme 2023. Collection method: clinical testing. Allele origin: germline.
Comment: The p.R2220* pathogenic mutation (also known as c.6658C>T), located in coding exon 54 of the FBN1 gene, results from a C to T substitution at nucleotide position 6658. This changes the amino acid from an arginine to a stop codon within coding exon 54. This alteration has been reported in cohorts of subjects with FBN1-related disease (Matsukawa R et al. Hum Mutat, 2001;17:71-2; Comeglio P et al. Hum Mutat, 2007 Sep;28:928; Somers AE et al. Am J Med Genet A, 2016 Jul;170:1786-90; Becerra-Mu&ntilde;oz VM et al. Orphanet J Rare Dis, 2018 Jan;13:16; Meester JAN et al. Genet Med, 2022 May;24:1045-1053). This variant is considered to be rare based on population cohorts in the Genome Aggregation Database (gnomAD). In addition to the clinical data presented in the literature, this alteration is expected to result in loss of function by premature protein truncation or nonsense-mediated mRNA decay. As such, this alteration is interpreted as a disease-causing mutation.

Institute of Human Genetics Munich, TUM University Hospital
Classification: Pathogenic for Marfan syndrome. Last evaluated: 2023-01-26. Review status: criteria provided, single submitter. Criteria: Classification criteria August 2017. Collection method: clinical testing. Allele origin: de novo. Inheritance: Autosomal dominant inheritance. Affected: yes. Observed: 1 variant allele.

Centre of Medical Genetics, University of Antwerp
Classification: Pathogenic for Marfan syndrome. Last evaluated: 2021-03-01. Review status: criteria provided, single submitter. Criteria: Submitter's publication. Collection method: research. Allele origin: unknown. Affected: yes.
Comment: PM2, PVS1, PP4

Victorian Clinical Genetics Services, Murdoch Childrens Research Institute
Classification: Pathogenic for Marfan syndrome. Last evaluated: 2020-05-21. Review status: criteria provided, single submitter. Criteria: ACMG Guidelines, 2015. Collection method: clinical testing. Allele origin: germline. Inheritance: Autosomal dominant inheritance. Affected: yes.
Comment: A heterozygous nonsense variant was identified, NM_000138.4(FBN1):c.6658C>T in exon 55 of 66 of the FBN1 gene. This nonsense variant is predicted to create a change of arginine to a stop at amino acid position 2220 of the protein, NP_000129.3(FBN1):p.(Arg2220*), resulting in the loss of normal protein function through nonsense-mediated decay (NMD). The variant is not present in the gnomAD population database. It has been previously reported in patients with Marfan syndrome (ClinVar; Becerra-Munoz, V.M. et al., 2018). Other variants predicted to cause NMD have been reported as pathogenic in individuals with this condition (ClinVar). Subsequent analysis of parental samples indicated this variant to be de novo. Based on information available at the time of curation, this variant has been classified as PATHOGENIC. Legend: (P) - Pathogenic, (N) - Neutral, (B) - Benign

Women's Health and Genetics/Laboratory Corporation of America, LabCorp
Classification: Pathogenic for Marfan Syndrome/Loeys-Dietz Syndrome/Familial Thoracic Aortic Aneurysms and Dissections. Last evaluated: 2019-05-13. Review status: criteria provided, single submitter. Criteria: LabCorp Variant Classification Summary - May 2015. Collection method: clinical testing. Allele origin: germline.
Comment: Variant summary: FBN1 c.6658C>T (p.Arg2220X) results in a premature termination codon, predicted to cause a truncation of the encoded protein or absence of the protein due to nonsense mediated decay, which are commonly known mechanisms for disease. The variant was absent in 250986 control chromosomes (gnomAD). c.6658C>T has been reported in the literature in multiple individuals affected with Marfan Syndrome (Attanasio_2013, Becerra-Munoz_2018, Comeglio_2007, Franken_2016, Matsukawa_2001). These data indicate that the variant is very likely to be associated with disease. Five ClinVar submitters (evaluation after 2014) cite the variant as pathogenic. Based on the evidence outlined above, the variant was classified as pathogenic.

Department of Vascular Biology, Beijing Anzhen Hospital
Classification: Likely pathogenic for Isolated thoracic aortic aneurysm. Last evaluated: 2018-09-01. Review status: criteria provided, single submitter. Criteria: ACMG Guidelines, 2015. Collection method: research. Allele origin: germline. Affected: yes.

NM_000138.5(FBN1):c.6658C>T (p.Arg2220Ter)

Gene: FBN1 (fibrillin 1; minus strand). Cytogenetic location: 15q21.1.
Variant type: single nucleotide variant.
Coding change: c.6658C>T on transcript NM_000138.5 (MANE Select); coding-DNA position 6658, C replaced by T.
Protein change: p.Arg2220Ter; replaces arginine 2220 with a stop codon.
Molecular consequence: nonsense.
Genome position (GRCh38, 1-based): chr15:48,432,947, G>A on the plus strand (C>T on the coding strand, the complement: FBN1 is on the minus strand). VCF-style: chr15-48432947-G-A. GRCh37 (hg19) VCF-style: chr15-48725144-G-A.
Other names: p.R2220X:CGA>TGA; short protein forms R2220*.
Identifiers: ClinVar variation 42407 (VCV000042407.49), dbSNP rs113001196, ClinGen allele CA016623.
Genomic context (GRCh38, chr15:48,432,947, plus strand): 5'-CTCTGAGCACATATCCCACGGGACATTTGCATTCATATGACCCATAAGTGTTCACACATC[G>A]GAAGGCACAGAGCAGAGGATTCTGGGCACATTCATTTATATCTGCAGCAGAGGAGAGTAA-3'